The following is an entry in ClinVar:

ClinVar aggregate classification (germline): Uncertain significance. Review status: criteria provided, multiple submitters, no conflicts (2 of 4 stars). 2 submissions from 2 submitters: Uncertain significance (2). Last evaluated 2025-09-16.

Conditions:
Adams-Oliver syndrome 1 (AOS1). Also called: ABSENCE DEFECT OF LIMBS, SCALP, AND SKULL; CONGENITAL SCALP DEFECTS WITH DISTAL LIMB REDUCTION ANOMALIES; APLASIA CUTIS CONGENITA WITH TERMINAL TRANSVERSE LIMB DEFECTS. Identifiers: Orphanet 974, MedGen C4551482, MONDO:0024506, OMIM 100300.

Submissions (2):

Dasa
Classification: Uncertain significance for Adams-Oliver syndrome 1. Last evaluated: 2025-09-16. Review status: criteria provided, single submitter. Criteria: DASA Assertion Criteria. Collection method: clinical testing. Allele origin: germline.
Comment: NM_020754.4(ARHGAP31):c.911G>A (p.Trp304*) is a nonsense variant in ARHGAP31 predicted to introduce a premature termination codon. This variant is absent from population databases. The currently available literature and clinical evidence are not sufficient to establish a definitive association between this variant and the reported condition. Therefore, this variant is classified as a variant of uncertain significance.

GeneDx
Classification: Uncertain significance. Last evaluated: 2023-02-09. Review status: criteria provided, single submitter. Criteria: GeneDx Variant Classification Process June 2021. Collection method: clinical testing. Allele origin: germline. Affected: yes.
Comment: Not observed at significant frequency in large population cohorts (gnomAD); Nonsense variant predicted to result in protein truncation or nonsense mediated decay in a gene or region of a gene for which loss of function is not a well-established mechanism of disease; Has not been previously published as pathogenic or benign to our knowledge

NM_020754.4(ARHGAP31):c.911G>A (p.Trp304Ter)

Gene: ARHGAP31 (Rho GTPase activating protein 31; plus strand). Cytogenetic location: 3q13.33.
Variant type: single nucleotide variant.
Coding change: c.911G>A on transcript NM_020754.4 (MANE Select); coding-DNA position 911, G replaced by A.
Protein change: p.Trp304Ter; replaces tryptophan 304 with a stop codon.
Molecular consequence: nonsense.
Genome position (GRCh38, 1-based): chr3:119,393,496, G>A. VCF-style: chr3-119393496-G-A. GRCh37 (hg19) VCF-style: chr3-119112343-G-A.
Other names: short protein forms W304*.
Identifiers: ClinVar variation 2575559 (VCV002575559.3), dbSNP rs2472847518, ClinGen allele CA354032859.